The following is an entry in ClinVar:

ClinVar aggregate classification (germline): Uncertain significance (1 of 4 stars; one submission).

Conditions:
Hyperphosphatasia with intellectual disability syndrome 5 (GPIBD11). Also called: GLYCOSYLPHOSPHATIDYLINOSITOL BIOSYNTHESIS DEFECT 11. Identifiers: Orphanet 247262, MedGen C4014958, MONDO:0014457, OMIM 616025.

Submission:

Labcorp Genetics (formerly Invitae), Labcorp
Classification: Uncertain significance for Hyperphosphatasia with intellectual disability syndrome 5. Last evaluated: 2021-12-01. Review status: criteria provided, single submitter. Criteria: Invitae Variant Classification Sherloc (09022015). Collection method: clinical testing. Allele origin: germline.
Comment: In summary, the available evidence is currently insufficient to determine the role of this variant in disease. Therefore, it has been classified as a Variant of Uncertain Significance. Algorithms developed to predict the effect of missense changes on protein structure and function output the following: SIFT: "Tolerated"; PolyPhen-2: "Benign"; Align-GVGD: "Class C0". The proline amino acid residue is found in multiple mammalian species, which suggests that this missense change does not adversely affect protein function. This variant has not been reported in the literature in individuals affected with PIGW-related conditions. This variant is not present in population databases (gnomAD no frequency). This sequence change replaces leucine, which is neutral and non-polar, with proline, which is neutral and non-polar, at codon 413 of the PIGW protein (p.Leu413Pro).

NM_001346754.2(PIGW):c.1238T>C (p.Leu413Pro)

Genes: MYO19 (myosin XIX; minus strand), PIGW (phosphatidylinositol glycan anchor biosynthesis class W; plus strand). Cytogenetic location: 17q12.
Variant type: single nucleotide variant.
Coding change: c.1238T>C on transcript NM_001346754.2 (MANE Select); coding-DNA position 1238, T replaced by C.
Protein change: p.Leu413Pro; replaces leucine 413 with proline.
Molecular consequence: missense variant.
Genome position (GRCh38, 1-based): chr17:36,538,339, T>C. VCF-style: chr17-36538339-T-C. GRCh37 (hg19) VCF-style: chr17-34894188-T-C.
Other names: c.1238T>C, p.Leu413Pro (NM_001346755.2, NM_178517.5); short protein forms L413P.
Identifiers: ClinVar variation 1389604 (VCV001389604.6), dbSNP rs2142621502, ClinGen allele CA399164544.